The following is an entry in ClinVar:

NM_024422.6(DSC2):c.225G>T (p.Glu75Asp)

Gene: DSC2 (desmocollin 2; minus strand). Cytogenetic location: 18q12.1.
Variant type: single nucleotide variant.
Coding change: c.225G>T on transcript NM_024422.6 (MANE Select); coding-DNA position 225, G replaced by T.
Protein change: p.Glu75Asp; replaces glutamic acid 75 with aspartic acid.
Molecular consequence: missense variant. On other transcripts: 5 prime UTR variant (2).
Genome position (GRCh38, 1-based): chr18:31,092,230, C>A on the plus strand (G>T on the coding strand, the complement: DSC2 is on the minus strand). VCF-style: chr18-31092230-C-A. GRCh37 (hg19) VCF-style: chr18-28672193-C-A.
Other names: c.-205G>T (NM_001406506.1, NM_001406507.1); c.225G>T, p.Glu75Asp (NM_004949.5); short protein forms E75D.
Identifiers: ClinVar variation 3071244 (VCV003071244.1), dbSNP rs2144846829, ClinGen allele CA402114840.

ClinVar aggregate classification (germline): Uncertain significance (1 of 4 stars; one submission).

Conditions:
Familial isolated arrhythmogenic right ventricular dysplasia. Identifiers: Orphanet 217656, MedGen C4274968, MONDO:0016342.

Submission:

All of Us Research Program, National Institutes of Health
Classification: Uncertain significance for Familial isolated arrhythmogenic right ventricular dysplasia. Last evaluated: 2023-05-16. Review status: criteria provided, single submitter. Criteria: ACMG Guidelines, 2015. Collection method: clinical testing. Allele origin: germline. Inheritance: Autosomal dominant inheritance. Observed: 1 variant allele, 1 heterozygote.
Comment: This missense variant replaces glutamic acid with aspartic acid at codon 75 of the DSC2 protein. Computational prediction suggests that this variant may not impact protein structure and function (internally defined REVEL score threshold <= 0.5, PMID: 27666373). To our knowledge, functional studies have not been reported for this variant. This variant has not been reported in individuals affected with DSC2-related disorders in the literature. This variant has not been identified in the general population by the Genome Aggregation Database (gnomAD). The available evidence is insufficient to determine the role of this variant in disease conclusively. Therefore, this variant is classified as a Variant of Uncertain Significance.

This study involves interpretation of variants in research participants for the purpose of population health screening. Participant phenotype was not available at the time of variant classification. Additional details can be found in publication PMID: 35346344, PMCID: PMC8962531